The following is an entry in ClinVar:

NM_001127208.3(TET2):c.799C>T (p.Pro267Ser)

Genes: TET2 (tet methylcytosine dioxygenase 2; plus strand), TET2-AS1 (TET2 antisense RNA 1; minus strand). Cytogenetic location: 4q24.
Variant type: single nucleotide variant.
Coding change: c.799C>T on transcript NM_001127208.3 (MANE Select); coding-DNA position 799, C replaced by T.
Protein change: p.Pro267Ser; replaces proline 267 with serine.
Molecular consequence: missense variant.
Genome position (GRCh38, 1-based): chr4:105,234,741, C>T. VCF-style: chr4-105234741-C-T. GRCh37 (hg19) VCF-style: chr4-106155898-C-T.
Other names: c.799C>T, p.Pro267Ser (NM_017628.4); short protein forms P267S.
Identifiers: ClinVar variation 2970536 (VCV002970536.3), dbSNP rs370173624, ClinGen allele CA3031563.

ClinVar aggregate classification (germline): Uncertain significance (1 of 4 stars; one submission).

Allele frequency attached by ClinVar (database versions not stated): TOPMed below 0.00001; gnomAD 0.00001; ExAC 0.00002; gnomAD exomes 0.00003; ESP Exome Variant Server 0.00008.
gnomAD v4.1: 40 of 1,613,832 alleles (0.0025%); highest among the groups gnomAD compares: Non-Finnish European, 0.0034%; no homozygotes.

Submission:

Labcorp Genetics (formerly Invitae), Labcorp
Classification: Uncertain significance. Last evaluated: 2023-02-10. Review status: criteria provided, single submitter. Criteria: Invitae Variant Classification Sherloc (09022015). Collection method: clinical testing. Allele origin: germline.
Comment: In summary, the available evidence is currently insufficient to determine the role of this variant in disease. Therefore, it has been classified as a Variant of Uncertain Significance. Algorithms developed to predict the effect of missense changes on protein structure and function output the following: SIFT: "Tolerated"; PolyPhen-2: "Benign"; Align-GVGD: "Class C0". The serine amino acid residue is found in multiple mammalian species, which suggests that this missense change does not adversely affect protein function. This variant has not been reported in the literature in individuals affected with TET2-related conditions. This variant is present in population databases (rs370173624, gnomAD 0.003%). This sequence change replaces proline, which is neutral and non-polar, with serine, which is neutral and polar, at codon 267 of the TET2 protein (p.Pro267Ser).